The following is an entry in ClinVar:

ClinVar aggregate classification (germline): Uncertain significance (1 of 4 stars; one submission).

Conditions:
Candidiasis, familial, 9 (CANDF9). Identifiers: Orphanet 1334, MedGen C4225324, MONDO:0014642, OMIM 616445.

Submission:

Labcorp Genetics (formerly Invitae), Labcorp
Classification: Uncertain significance for Candidiasis, familial, 9. Last evaluated: 2025-01-02. Review status: criteria provided, single submitter. Criteria: Invitae Variant Classification Sherloc (09022015). Collection method: clinical testing. Allele origin: germline.
Comment: This sequence change creates a premature translational stop signal (p.Val184Trpfs*55) in the IL17RC gene. It is expected to result in an absent or disrupted protein product. However, the current clinical and genetic evidence is not sufficient to establish whether loss-of-function variants in IL17RC cause disease. This variant is not present in population databases (gnomAD no frequency). This variant has not been reported in the literature in individuals affected with IL17RC-related conditions. ClinVar contains an entry for this variant (Variation ID: 2833327). In summary, the available evidence is currently insufficient to determine the role of this variant in disease. Therefore, it has been classified as a Variant of Uncertain Significance.

NM_153460.4(IL17RC):c.337del (p.Val113fs)

Gene: IL17RC (interleukin 17 receptor C; plus strand). Cytogenetic location: 3p25.3.
Variant type: Deletion.
Coding change: c.337del on transcript NM_153460.4 (MANE Select); coding-DNA position 337, one base deleted (G; older notation c.337delG).
Protein change: p.Val113fs; shifts the reading frame from valine 113.
Molecular consequence: frameshift variant. On other transcripts: non-coding transcript variant (1), intron variant (1).
Genome position (GRCh38, 1-based): chr3:9,918,391, G deleted; the last of 4 consecutive G bases (chr3:9,918,388-9,918,391); deleting any one gives the same sequence. VCF-style (leftmost placement, unchanged base first): chr3-9918387-AG-A. GRCh37 (hg19) VCF-style: chr3-9960071-AG-A.
Other names: c.337del, p.Val113fs (NM_001203263.2, NM_001203264.2, NM_001203265.2 and 4 more transcripts); c.550del, p.Val184fs (NM_153461.4); c.281-109del (NM_001367279.1); short protein forms V184fs, V113fs.
Identifiers: ClinVar variation 2833327 (VCV002833327.3), dbSNP rs2470099705, ClinGen allele CA2739279881.